The following is an entry in ClinVar:

NM_000618.5(IGF1):c.*2266T>G

Genes: LINC02456 (long intergenic non-protein coding RNA 2456; plus strand), IGF1 (insulin like growth factor 1; minus strand). Cytogenetic location: 12q23.2.
Variant type: single nucleotide variant.
Coding change: c.*2266T>G on transcript NM_000618.5 (MANE Select); 2266 bases downstream of the stop codon, T replaced by G.
Molecular consequence: 3 prime UTR variant.
Genome position (GRCh38, 1-based): chr12:102,400,241, A>C on the plus strand (T>G on the coding strand, the complement: IGF1 is on the minus strand). VCF-style: chr12-102400241-A-C. GRCh37 (hg19) VCF-style: chr12-102794019-A-C.
Other names: c.*2300T>G (NM_001111283.3); c.*2266T>G (NM_001111284.2).
Identifiers: ClinVar variation 306889 (VCV000306889.6), dbSNP rs6216, ClinGen allele CA10636239.

ClinVar aggregate classification (germline): Benign. Review status: criteria provided, multiple submitters, no conflicts (2 of 4 stars). 2 submissions from 2 submitters: Benign (2). Last evaluated 2018-01-13.

Conditions:
Growth delay due to insulin-like growth factor type 1 deficiency (IGF1D). Also called: GROWTH RETARDATION WITH SENSORINEURAL DEAFNESS AND MENTAL RETARDATION; IGF1 DEFICIENCY. Identifiers: Orphanet 73272, MedGen C1837475, MONDO:0012110, OMIM 608747.

Allele frequency attached by ClinVar (database versions not stated): TOPMed 0.00209; 1000 Genomes Project 30x 0.00687; 1000 Genomes Project 0.00719.

Submissions (2):

Illumina Laboratory Services, Illumina
Classification: Benign for Growth delay due to insulin-like growth factor type 1 deficiency. Last evaluated: 2018-01-13. Review status: criteria provided, single submitter. Criteria: ICSL Variant Classification Criteria 13 December 2019. Collection method: clinical testing. Allele origin: germline.
Comment: This variant was observed in the ICSL laboratory as part of a predisposition screen in an ostensibly healthy population. It had not been previously curated by ICSL or reported in the Human Gene Mutation Database (HGMD: prior to June 1st, 2018), and was therefore a candidate for classification through an automated scoring system. Utilizing variant allele frequency, disease prevalence and penetrance estimates, and inheritance mode, an automated score was calculated to assess if this variant is too frequent to cause the disease. Based on the score and internal cut-off values, a variant classified as benign is not then subjected to further curation. The score for this variant resulted in a classification of benign for this disease.

Breakthrough Genomics
Classification: Benign. Review status: criteria provided, single submitter. Criteria: ACMG Guidelines, 2015. Collection method: not provided. Allele origin: germline. Inheritance: Autosomal recessive inheritance. Affected: yes.